The following is an entry in ClinVar:

NM_033400.3(ZFHX2):c.4034T>C (p.Leu1345Pro)

Genes: THTPA (thiamine triphosphatase; plus strand), ZFHX2 (zinc finger homeobox 2; minus strand). Cytogenetic location: 14q11.2.
Variant type: single nucleotide variant.
Coding change: c.4034T>C on transcript NM_033400.3 (MANE Select); coding-DNA position 4034, T replaced by C.
Protein change: p.Leu1345Pro; replaces leucine 1345 with proline.
Molecular consequence: missense variant.
Genome position (GRCh38, 1-based): chr14:23,525,908, A>G on the plus strand (T>C on the coding strand, the complement: ZFHX2 is on the minus strand). VCF-style: chr14-23525908-A-G. GRCh37 (hg19) VCF-style: chr14-23995117-A-G.
Other names: short protein forms L1345P.
Identifiers: ClinVar variation 3045739 (VCV003045739.7), dbSNP rs578152435, ClinGen allele CA7116955.

ClinVar aggregate classification (germline): Benign. Review status: criteria provided, single submitter (1 of 4 stars). 2 submissions from 2 submitters: Benign (1). 1 of the submissions does not count toward it. Last evaluated 2025-12-01.

Conditions:
ZFHX2-related disorder. Also called: ZFHX2-related condition.

Allele frequency attached by ClinVar (database versions not stated): gnomAD exomes 0.00012; 1000 Genomes Project 0.00020; gnomAD 0.00024; 1000 Genomes Project 30x 0.00047.
gnomAD v4.1: 191 of 1,440,188 alleles (0.013%); highest among the groups gnomAD compares: Admixed American, 0.47%; 1 homozygote.

Submissions (2):

CeGaT Center for Human Genetics Tuebingen
Classification: Benign. Last evaluated: 2025-12-01. Review status: criteria provided, single submitter. Criteria: CeGaT Center For Human Genetics Tuebingen Variant Classification Criteria Version 2. Collection method: clinical testing. Allele origin: germline. Affected: yes. Observed: 1 variant allele.
Comment: ZFHX2: BS1, BS2

PreventionGenetics, part of Exact Sciences
Classification: Likely benign for ZFHX2-related condition. Last evaluated: 2020-10-12. Review status: no assertion criteria provided. Collection method: clinical testing. Allele origin: germline. Not counted in ClinVar's aggregate classification.
Comment: This variant is classified as likely benign based on ACMG/AMP sequence variant interpretation guidelines (Richards et al. 2015 PMID: 25741868, with internal and published modifications).